The following is an entry in ClinVar:

NM_052867.4(NALCN):c.1053T>A (p.Phe351Leu)

Gene: NALCN (sodium leak channel, non-selective; minus strand). Cytogenetic location: 13q33.1.
Variant type: single nucleotide variant.
Coding change: c.1053T>A on transcript NM_052867.4 (MANE Select); coding-DNA position 1053, T replaced by A.
Protein change: p.Phe351Leu; replaces phenylalanine 351 with leucine.
Molecular consequence: missense variant. On other transcripts: intron variant (2).
Genome position (GRCh38, 1-based): chr13:101,284,014, A>T on the plus strand (T>A on the coding strand, the complement: NALCN is on the minus strand). VCF-style: chr13-101284014-A-T. GRCh37 (hg19) VCF-style: chr13-101936365-A-T.
Other names: c.1053T>A, p.Phe351Leu (NM_001350748.2, NM_001350749.2); c.1047+7976T>A (NM_001350751.2, NM_001350750.2); short protein forms F351L.
Identifiers: ClinVar variation 4744075 (VCV004744075.1).

ClinVar aggregate classification (germline): Uncertain significance (1 of 4 stars; one submission).

Submission:

Labcorp Genetics (formerly Invitae), Labcorp
Classification: Uncertain significance. Last evaluated: 2025-03-29. Review status: criteria provided, single submitter. Criteria: Invitae Variant Classification Sherloc (09022015). Collection method: clinical testing. Allele origin: germline.
Comment: This sequence change replaces phenylalanine, which is neutral and non-polar, with leucine, which is neutral and non-polar, at codon 351 of the NALCN protein (p.Phe351Leu). This variant is not present in population databases (gnomAD no frequency). This variant has not been reported in the literature in individuals affected with NALCN-related conditions. Invitae Evidence Modeling of protein sequence and biophysical properties (such as structural, functional, and spatial information, amino acid conservation, physicochemical variation, residue mobility, and thermodynamic stability) indicates that this missense variant is not expected to disrupt NALCN protein function with a negative predictive value of 80%. In summary, the available evidence is currently insufficient to determine the role of this variant in disease. Therefore, it has been classified as a Variant of Uncertain Significance.